The following is an entry in ClinVar:

NM_003049.4(SLC10A1):c.589T>C (p.Leu197=)

Gene: SLC10A1 (solute carrier family 10 member 1; minus strand). Cytogenetic location: 14q24.1.
Variant type: single nucleotide variant.
Coding change: c.589T>C on transcript NM_003049.4 (MANE Select); coding-DNA position 589, T replaced by C.
Protein change: p.Leu197=; no amino-acid change (leucine 197 retained).
Molecular consequence: synonymous variant.
Genome position (GRCh38, 1-based): chr14:69,779,339, A>G on the plus strand (T>C on the coding strand, the complement: SLC10A1 is on the minus strand). VCF-style: chr14-69779339-A-G. GRCh37 (hg19) VCF-style: chr14-70246056-A-G.
Other names: c.589T>C (NM_003049.3).
Identifiers: ClinVar variation 500648 (VCV000500648.6), dbSNP rs764705690, ClinGen allele CA7246085.
Genomic context (GRCh38, chr14:69,779,339, plus strand): 5'-CAAACATGATGCTCTTCCCCACATTGATGGCAGAGAGAACTGTGACGGCCACACTGCACA[A>G]GAGAATGATGATCATCCCTCCCTGGGAATGAAGACAAGAAAAGGCAATTAGAAGAGTTGG-3'
Protein context (NP_003040.1, residues 187-207): VIKGGMIIIL[Leu197=]CSVAVTVLSA

ClinVar aggregate classification (germline): Conflicting classifications of pathogenicity. Review status: criteria provided, conflicting classifications (1 of 4 stars). 2 submissions from 2 submitters: Uncertain significance (1); Likely benign (1). Last evaluated 2024-12-13.

Conditions:
SLC10A1-related disorder. Also called: SLC10A1-related condition.

Allele frequency attached by ClinVar (database versions not stated): ExAC 0.00001; gnomAD 0.00002; TOPMed 0.00005.

Submissions (2):

PreventionGenetics, part of Exact Sciences
Classification: Likely benign for SLC10A1-related condition. Last evaluated: 2024-12-13. Review status: criteria provided, single submitter. Criteria: ACMG Guidelines, 2015. Collection method: clinical testing. Allele origin: germline.
Comment: This variant is classified as likely benign based on ACMG/AMP sequence variant interpretation guidelines (Richards et al. 2015 PMID: 25741868, with internal and published modifications).

Eurofins Ntd Llc (ga)
Classification: Uncertain significance. Last evaluated: 2017-02-27. Review status: criteria provided, single submitter. Criteria: EGL Classification Definitions 2015. Collection method: clinical testing. Allele origin: germline. Observed: 1 variant allele, 1 heterozygote.